The following is an entry in ClinVar:

ClinVar aggregate classification (germline): Conflicting classifications of pathogenicity. Review status: criteria provided, conflicting classifications (1 of 4 stars). 5 submissions from 5 submitters: Uncertain significance (1); Benign (1); Likely benign (2). 1 of the submissions does not count toward it. Last evaluated 2026-01-18.

Conditions:
POLD1-related polyposis and colorectal cancer syndrome (CRCS10). Also called: Colorectal cancer, susceptibility to, 10; Colorectal cancer 10; COLORECTAL CANCER, SUSCEPTIBILITY TO, ON CHROMOSOME 19q. Identifiers: Orphanet 220460, MedGen C2675481, MONDO:0012953, OMIM 612591.

Allele frequency attached by ClinVar (database versions not stated): gnomAD 0.00005; TOPMed 0.00005; gnomAD exomes 0.00006 and 0.00016; ESP Exome Variant Server 0.00008; ExAC 0.00013.
gnomAD v4.1: 107 of 1,607,532 alleles (0.0067%); highest among the groups gnomAD compares: South Asian, 0.0044%; 3 homozygotes.

Submissions (6):

Labcorp Genetics (formerly Invitae), Labcorp
Classification: Benign for POLD1-related polyposis and colorectal cancer syndrome. Last evaluated: 2026-01-18. Review status: criteria provided, single submitter. Criteria: Invitae Variant Classification Sherloc (09022015). Collection method: clinical testing. Allele origin: germline.

Blueprint Genetics
Classification: Likely benign. Last evaluated: 2024-11-08. Review status: criteria provided, single submitter. Criteria: ACMG Guidelines, 2015. Collection method: clinical testing. Allele origin: germline.

Department of Pathology and Laboratory Medicine, Sinai Health System
Classification: Uncertain significance for POLD1-related polyposis and colorectal cancer syndrome. Last evaluated: 2024-09-27. Review status: criteria provided, single submitter. Criteria: ACMG Guidelines, 2015. Collection method: clinical testing. Allele origin: germline. Affected: yes.

GeneDx
Classification: Likely benign. Last evaluated: 2017-06-02. Review status: criteria provided, single submitter. Criteria: GeneDx Variant Classification (06012015). Collection method: clinical testing. Allele origin: germline. Affected: yes.
Comment: This variant is considered likely benign or benign based on one or more of the following criteria: it is a conservative change, it occurs at a poorly conserved position in the protein, it is predicted to be benign by multiple in silico algorithms, and/or has population frequency not consistent with disease.

Counsyl
Classification: Likely benign for POLD1-related polyposis and colorectal cancer syndrome. Last evaluated: 2016-10-06. Review status: no assertion criteria provided. Collection method: clinical testing. Allele origin: unknown. Not counted in ClinVar's aggregate classification.

Dr. Peter K. Rogan Lab, Western University
No classification provided (evidence only). Condition: Uterine corpus endometrial carcinoma. Review status: no classification provided. Collection method: in vitro. Allele origin: not applicable. Functional consequence: retained intron. Not counted in ClinVar's aggregate classification.

NM_002691.4(POLD1):c.2717+14C>T

Gene: POLD1 (DNA polymerase delta 1, catalytic subunit; plus strand). Cytogenetic location: 19q13.33.
Variant type: single nucleotide variant.
Coding change: c.2717+14C>T on transcript NM_002691.4 (MANE Select); 14 bases into the intron after coding-DNA position 2717, C replaced by T.
Molecular consequence: intron variant.
Genome position (GRCh38, 1-based): chr19:50,415,604, C>T. VCF-style: chr19-50415604-C-T. GRCh37 (hg19) VCF-style: chr19-50918861-C-T.
Other names: c.2795+14C>T (LRG_785t2, NM_001308632.1); c.2717+14C>T (LRG_785t1, NM_001256849.1).
Identifiers: ClinVar variation 372003 (VCV000372003.13), dbSNP rs367945387, ClinGen allele CA9596624.